The following is an entry in ClinVar:

NM_000432.4(MYL2):c.46A>G (p.Asn16Asp)

Genes: MYL2 (myosin light chain 2; minus strand), LOC114827850 (VISTA enhancer hs2149; plus strand). Cytogenetic location: 12q24.11.
Variant type: single nucleotide variant.
Coding change: c.46A>G on transcript NM_000432.4 (MANE Select); coding-DNA position 46, A replaced by G.
Protein change: p.Asn16Asp; replaces asparagine 16 with aspartic acid.
Molecular consequence: missense variant.
Genome position (GRCh38, 1-based): chr12:110,919,151, T>C on the plus strand (A>G on the coding strand, the complement: MYL2 is on the minus strand). VCF-style: chr12-110919151-T-C. GRCh37 (hg19) VCF-style: chr12-111356955-T-C.
Other names: short protein forms N16D.
Identifiers: ClinVar variation 1488123 (VCV001488123.13), dbSNP rs2136777385, ClinGen allele CA386700292.

ClinVar aggregate classification (germline): Uncertain significance. Review status: criteria provided, multiple submitters, no conflicts (2 of 4 stars). 4 submissions from 4 submitters: Uncertain significance (3). 1 of the submissions does not count toward it. Last evaluated 2025-10-27.

Conditions:
Hypertrophic cardiomyopathy 10. Also called: CARDIOMYOPATHY, HYPERTROPHIC, MID-LEFT VENTRICULAR CHAMBER TYPE, 2; MYL2-Related Familial Hypertrophic Cardiomyopathy. Identifiers: MedGen C1834460, MONDO:0012112, OMIM 608758.

Submissions (4):

Dasa
Classification: Uncertain significance. Last evaluated: 2025-10-27. Review status: criteria provided, single submitter. Criteria: DASA Assertion Criteria. Collection method: clinical testing. Allele origin: germline.
Comment: NM_000432.4(MYL2):c.46A>G (p.Asn16Asp) is a missense variant that results in the substitution of asparagine with aspartic acid. This variant is absent from population databases. Computational prediction algorithms are consistent with a deleterious effect. The currently available literature and clinical evidence are not sufficient to establish a definitive association between this variant and the reported condition. Therefore, this variant is classified as a variant of uncertain significance.

Clinical Genetics Laboratory, Skane University Hospital Lund
Classification: Uncertain significance. Last evaluated: 2022-08-18. Review status: criteria provided, single submitter. Criteria: ACMG Guidelines, 2015. Collection method: clinical testing. Allele origin: germline. Affected: yes.

Labcorp Genetics (formerly Invitae), Labcorp
Classification: Uncertain significance for Hypertrophic cardiomyopathy 10. Last evaluated: 2022-06-13. Review status: criteria provided, single submitter. Criteria: Invitae Variant Classification Sherloc (09022015). Collection method: clinical testing. Allele origin: germline.
Comment: In summary, the available evidence is currently insufficient to determine the role of this variant in disease. Therefore, it has been classified as a Variant of Uncertain Significance. Algorithms developed to predict the effect of missense changes on protein structure and function are either unavailable or do not agree on the potential impact of this missense change (SIFT: "Tolerated"; PolyPhen-2: "Probably Damaging"; Align-GVGD: "Class C0"). This variant has not been reported in the literature in individuals affected with MYL2-related conditions. This variant is not present in population databases (gnomAD no frequency). This sequence change replaces asparagine, which is neutral and polar, with aspartic acid, which is acidic and polar, at codon 16 of the MYL2 protein (p.Asn16Asp).

ICMR Centre for Advanced Research and Excellence in Heart Failure, Sree Chitra Tirunal Institute for Medical Sciences & Technology, KERALA, INDIA
Classification: Uncertain significance for Hypertrophic cardiomyopathy 10. Last evaluated: 2023-03-19. Review status: no assertion criteria provided. Collection method: clinical testing. Allele origin: germline. Affected: yes. Observed: 1 variant allele. Not counted in ClinVar's aggregate classification.